The following is an entry in ClinVar:

ClinVar aggregate classification (germline): Conflicting classifications of pathogenicity. Review status: criteria provided, conflicting classifications (1 of 4 stars). 4 submissions from 4 submitters: Uncertain significance (1); Likely benign (2). 1 of the submissions does not count toward it. Last evaluated 2025-06-12.

Conditions:
NPHS1-related disorder. Also called: NPHS1-related condition.

Allele frequency attached by ClinVar (database versions not stated): TOPMed 0.00020; 1000 Genomes Project 30x 0.00031; ESP Exome Variant Server 0.00038; 1000 Genomes Project 0.00040.

Submissions (4):

Labcorp Genetics (formerly Invitae), Labcorp
Classification: Likely benign. Last evaluated: 2025-06-12. Review status: criteria provided, single submitter. Criteria: Invitae Variant Classification Sherloc (09022015). Collection method: clinical testing. Allele origin: germline.

Blueprint Genetics
Classification: Likely benign. Last evaluated: 2024-10-08. Review status: criteria provided, single submitter. Criteria: ACMG Guidelines, 2015. Collection method: clinical testing. Allele origin: germline.

Eurofins Ntd Llc (ga)
Classification: Uncertain significance. Last evaluated: 2015-08-25. Review status: criteria provided, single submitter. Criteria: EGL Classification Definitions 2015. Collection method: clinical testing. Allele origin: germline. Observed: 1 variant allele, 1 heterozygote.

PreventionGenetics, part of Exact Sciences
Classification: Likely benign for NPHS1-related condition. Last evaluated: 2020-11-16. Review status: no assertion criteria provided. Collection method: clinical testing. Allele origin: germline. Not counted in ClinVar's aggregate classification.
Comment: This variant is classified as likely benign based on ACMG/AMP sequence variant interpretation guidelines (Richards et al. 2015 PMID: 25741868, with internal and published modifications).

NM_004646.4(NPHS1):c.3456G>T (p.Thr1152=)

Gene: NPHS1 (NPHS1 adhesion molecule, nephrin; minus strand). Cytogenetic location: 19q13.12.
Variant type: single nucleotide variant.
Coding change: c.3456G>T on transcript NM_004646.4 (MANE Select); coding-DNA position 3456, G replaced by T.
Protein change: p.Thr1152=; no amino-acid change (threonine 1152 retained).
Molecular consequence: synonymous variant.
Genome position (GRCh38, 1-based): chr19:35,831,078, C>A on the plus strand (G>T on the coding strand, the complement: NPHS1 is on the minus strand). VCF-style: chr19-35831078-C-A. GRCh37 (hg19) VCF-style: chr19-36321980-C-A.
Other names: c.3456G>T (NM_004646.3).
Identifiers: ClinVar variation 282923 (VCV000282923.17), dbSNP rs138092189, ClinGen allele CA9389752.
Genomic context (GRCh38, chr19:35,831,078, plus strand): 5'-CTGAGTGAGGGAATCCTGACATGGTCCTAACTCACCTCGGGAATAAGACACCTCCTCCTG[C>A]GTCGGGGGCAGCTGGGGGCTGAAGTCCCTCAGGGAGCGGTAATACGGCTCTGCCTCTGTT-3'
Protein context (NP_004637.1, residues 1142-1162): LRDFSPQLPP[Thr1152=]QEEVSYSRGF